The following is an entry in ClinVar:

NM_001348323.3(TRIP12):c.3757del (p.Asp1253fs)

Gene: TRIP12 (thyroid hormone receptor interactor 12; minus strand). Cytogenetic location: 2q36.3.
Variant type: Deletion.
Coding change: c.3757del on transcript NM_001348323.3 (MANE Select); coding-DNA position 3757, one base deleted (G; older notation c.3757delG).
Protein change: p.Asp1253fs; shifts the reading frame from aspartic acid 1253.
Molecular consequence: frameshift variant.
Genome position (GRCh38, 1-based): chr2:229,796,650, C deleted on the plus strand (G on the coding strand, the reverse complement: TRIP12 is on the minus strand); the first of 2 consecutive C bases (chr2:229,796,650-229,796,651); deleting either gives the same sequence. VCF-style (leftmost placement, unchanged base first): chr2-229796649-TC-T. GRCh37 (hg19) VCF-style: chr2-230661365-TC-T.
Other names: c.3757del, p.Asp1253fs (NM_001348327.2, NM_001348319.1, NM_001348320.2 and 4 more transcripts); c.3760del, p.Asp1254fs (NM_001348328.1, NM_001348329.2, NM_001348330.2 and 1 more transcripts); c.3550del, p.Asp1184fs (NM_001348331.1); c.3670del, p.Asp1224fs (NM_001348332.1); c.3679del, p.Asp1227fs (NM_001348333.1); c.3532del, p.Asp1178fs (NM_004238.3); c.3676del, p.Asp1226fs (NM_001284214.2, NM_001348315.2); c.3631del, p.Asp1211fs (NM_001284215.2, NM_001348316.2, NM_001348317.1 and 1 more transcripts); and 1 more; short protein forms D1178fs, D1224fs, D1253fs, D1254fs, D908fs, D1184fs, D1211fs, D1226fs.
Identifiers: ClinVar variation 817326 (VCV000817326.1), dbSNP rs1575124128, ClinGen allele CA915941750.

ClinVar aggregate classification (germline): Pathogenic (1 of 4 stars; one submission).

Submission:

GeneDx
Classification: Pathogenic. Last evaluated: 2018-11-29. Review status: criteria provided, single submitter. Criteria: GeneDx Variant Classification (06012015). Collection method: clinical testing. Allele origin: germline. Affected: yes.
Comment: The c.3532delG variant in the TRIP12 gene has not been reported previously as a pathogenic variant nor as a benign variant, to our knowledge. The c.3532delG variant causes a frameshift starting with codon Aspartic acid 1178, changes this amino acid to a Methionine residue, and creates a premature Stop codon at position 3 of the new reading frame, denoted p.Asp1178MetfsX3. This variant is predicted to cause loss of normal protein function either through protein truncation or nonsense-mediated mRNA decay. The c.3532delG variant is not observed in large population cohorts (Lek et al., 2016). We interpret c.3532delG as a pathogenic variant.